The following is an entry in ClinVar:

ClinVar aggregate classification (germline): Pathogenic. Review status: criteria provided, multiple submitters, no conflicts (2 of 4 stars). 2 submissions from 2 submitters: Pathogenic (2). Last evaluated 2024-12-12.

Conditions:
Isolated focal cortical dysplasia type IIb. Identifiers: Orphanet 269008, MedGen C5679768, MONDO:0017102.
Familial focal epilepsy with variable foci (FPEVF). Identifiers: Orphanet 98820, MedGen C1858477, MONDO:0020310.

Submissions (2):

Human Genome Lab, NIMHANS, National Institute of Mental Health and Neuro Sciences
Classification: Pathogenic for Isolated focal cortical dysplasia type IIb. Last evaluated: 2024-12-12. Review status: criteria provided, single submitter. Criteria: ACMG Guidelines, 2015. Collection method: clinical testing. Allele origin: somatic. Affected: yes. Observed: 1 variant allele.
Comment: The stop gained NM_001242896.3(DEPDC5):c.4398G>A (p.Trp1466Ter) has been reported to ClinVar as Pathogenic with a status of (1 stars) criteria provided, single submitter (Variation ID 1364022 as of 2026-05-07). The p.Trp1466Ter variant is novel (not in any individuals) in 1kG All. The p.Trp1466Ter variant is novel (not in any individuals) in TopMed All. The p.Trp1466Ter variant is novel (not in any individuals) in gnomAD4-Joint-Variant Frequencies. This variant is predicted to cause loss of normal protein function through protein truncation. This variant is a stop gained variant which occurs in an exon of DEPDC5 upstream of where nonsense mediated decay is predicted to occur. This variant has been previously classified as pathogenic, indicating that the region is critical to protein function. There are 25 downstream pathogenic loss of function variants, with the furthest variant being 104 residues downstream of this variant. This indicates that the region is critical to protein function. The p.Trp1466Ter variant is a loss of function variant in the gene DEPDC5, which is intolerant of Loss of Function variants, as indicated by the presence of existing pathogenic loss of function variant NP_001229825.1:p.M1_D20delinsN and 265 others. For these reasons, this variant has been classified as Pathogenic. (ACMG Criteria PM2 PVS1 PP5)

Labcorp Genetics (formerly Invitae), Labcorp
Classification: Pathogenic for Familial focal epilepsy with variable foci. Last evaluated: 2022-07-25. Review status: criteria provided, single submitter. Criteria: Invitae Variant Classification Sherloc (09022015). Collection method: clinical testing. Allele origin: germline.
Comment: For these reasons, this variant has been classified as Pathogenic. ClinVar contains an entry for this variant (Variation ID: 1364022). This variant has not been reported in the literature in individuals affected with DEPDC5-related conditions. This variant is not present in population databases (gnomAD no frequency). This sequence change creates a premature translational stop signal (p.Trp1466*) in the DEPDC5 gene. It is expected to result in an absent or disrupted protein product. Loss-of-function variants in DEPDC5 are known to be pathogenic (PMID: 23542697, 23542701).

Literature cited by the submitters: PubMed 23542697 (cited by Labcorp Genetics (formerly Invitae), Labcorp); PubMed 23542701 (cited by Labcorp Genetics (formerly Invitae), Labcorp).

NM_001242896.3(DEPDC5):c.4398G>A (p.Trp1466Ter)

Gene: DEPDC5 (DEP domain containing 5, GATOR1 subcomplex subunit; plus strand). Cytogenetic location: 22q12.3.
Variant type: single nucleotide variant.
Coding change: c.4398G>A on transcript NM_001242896.3 (MANE Select); coding-DNA position 4398, G replaced by A.
Protein change: p.Trp1466Ter; replaces tryptophan 1466 with a stop codon.
Molecular consequence: nonsense. On other transcripts: non-coding transcript variant (5).
Genome position (GRCh38, 1-based): chr22:31,901,764, G>A. VCF-style: chr22-31901764-G-A. GRCh37 (hg19) VCF-style: chr22-32297750-G-A.
Other names: c.4371G>A, p.Trp1457Ter (NM_001136029.4); c.4098G>A, p.Trp1366Ter (NM_001242897.2); c.4332G>A, p.Trp1444Ter (NM_001363852.2, NM_001364320.2); c.4164G>A, p.Trp1388Ter (NM_001363854.2, NM_001364319.2); c.4398G>A, p.Trp1466Ter (NM_001364318.2); c.4314G>A, p.Trp1438Ter (NM_001369901.1, NM_001369902.1); c.4305G>A, p.Trp1435Ter (NM_001369903.1, NM_014662.6); short protein forms W1366*, W1388*, W1457*, W1438*, W1435*, W1444*, W1466*.
Identifiers: ClinVar variation 1364022 (VCV001364022.7), dbSNP rs2149419668, ClinGen allele CA411290399.